The following is an entry in ClinVar:

NM_002474.3(MYH11):c.4506C>T (p.Leu1502=)

Genes: MYH11 (myosin heavy chain 11; minus strand), NDE1 (nudE neurodevelopment protein 1; plus strand). Cytogenetic location: 16p13.11.
Variant type: single nucleotide variant.
Coding change: c.4506C>T on transcript NM_002474.3 (MANE Select); coding-DNA position 4506, C replaced by T.
Protein change: p.Leu1502=; no amino-acid change (leucine 1502 retained).
Molecular consequence: synonymous variant. On other transcripts: intron variant (2).
Genome position (GRCh38, 1-based): chr16:15,721,494, G>A on the plus strand (C>T on the coding strand, the complement: MYH11 is on the minus strand). VCF-style: chr16-15721494-G-A. GRCh37 (hg19) VCF-style: chr16-15815351-G-A.
Other names: p.L1502L:CTC>CTT; c.4527C>T, p.Leu1509= (NM_001040113.2, NM_001040114.2); c.4506C>T, p.Leu1502= (NM_022844.3); c.948-2697G>A (NM_001143979.2, NM_017668.3).
Identifiers: ClinVar variation 138344 (VCV000138344.26), dbSNP rs76890940, ClinGen allele CA292310.

ClinVar aggregate classification (germline): Benign/Likely benign. Review status: criteria provided, multiple submitters, no conflicts (2 of 4 stars). 11 submissions from 11 submitters: Benign (8); Likely benign (3). Last evaluated 2026-02-03.

Conditions:
Connective tissue disorder. Also called: Connective tissue disease. Identifiers: MedGen C0009782, MONDO:0003900.
Familial thoracic aortic aneurysm and aortic dissection (TAAD). Also called: Thoracic aortic aneurysms and dissections. Identifiers: Orphanet 91387, MedGen C4707243, MONDO:0019625.
Aortic aneurysm, familial thoracic 4 (AAT4). Also called: AORTIC ANEURYSM/AORTIC DISSECTION AND PATENT DUCTUS ARTERIOSUS. Identifiers: MedGen C1851504, MONDO:0007568, OMIM 132900.

Allele frequency attached by ClinVar (database versions not stated): ESP Exome Variant Server 0.00008; gnomAD 0.00116 and 0.00146; TOPMed 0.00134; 1000 Genomes Project 30x 0.00578; 1000 Genomes Project 0.00599.
gnomAD v4.1: 1,977 of 1,614,198 alleles (0.12%); highest among the groups gnomAD compares: East Asian, 3%; 25 homozygotes.

Submissions (11):

Labcorp Genetics (formerly Invitae), Labcorp
Classification: Benign for Aortic aneurysm, familial thoracic 4. Last evaluated: 2026-02-03. Review status: criteria provided, single submitter. Criteria: Invitae Variant Classification Sherloc (09022015). Collection method: clinical testing. Allele origin: germline.

Molecular Diagnostic Laboratory for Inherited Cardiovascular Disease, Montreal Heart Institute
Classification: Benign. Last evaluated: 2025-07-24. Review status: criteria provided, single submitter. Criteria: ACMG Guidelines, 2015. Collection method: clinical testing. Allele origin: germline. Affected: no.
Comment: BS1;BP7

Blueprint Genetics
Classification: Likely benign. Last evaluated: 2024-11-21. Review status: criteria provided, single submitter. Criteria: ACMG Guidelines, 2015. Collection method: clinical testing. Allele origin: germline.

All of Us Research Program, National Institutes of Health
Classification: Benign for Familial thoracic aortic aneurysm and aortic dissection. Last evaluated: 2024-02-05. Review status: criteria provided, single submitter. Criteria: ACMG Guidelines, 2015. Collection method: clinical testing. Allele origin: germline. Inheritance: Autosomal dominant inheritance. Observed: 216 variant alleles, 213 heterozygotes, 3 homozygotes.
Comment: This study involves interpretation of variants in research participants for the purpose of population health screening. Participant phenotype was not available at the time of variant classification. Additional details can be found in publication PMID: 35346344, PMCID: PMC8962531

CHEO Genetics Diagnostic Laboratory, Children's Hospital of Eastern Ontario
Classification: Benign for Familial thoracic aortic aneurysm and aortic dissection. Last evaluated: 2019-01-11. Review status: criteria provided, single submitter. Criteria: ACMG Guidelines, 2015. Collection method: clinical testing. Allele origin: germline.

Color Diagnostics, LLC DBA Color Health
Classification: Benign for Familial thoracic aortic aneurysm and aortic dissection. Last evaluated: 2018-03-16. Review status: criteria provided, single submitter. Criteria: ACMG Guidelines, 2015. Collection method: clinical testing. Allele origin: germline.

Illumina Laboratory Services, Illumina
Classification: Likely benign for Aortic aneurysm, familial thoracic 4. Last evaluated: 2018-01-12. Review status: criteria provided, single submitter. Criteria: ICSL Variant Classification Criteria 13 December 2019. Collection method: clinical testing. Allele origin: germline.
Comment: This variant was observed in the ICSL laboratory as part of a predisposition screen in an ostensibly healthy population. It had not been previously curated by ICSL or reported in the Human Gene Mutation Database (HGMD: prior to June 1st, 2018), and was therefore a candidate for classification through an automated scoring system. Utilizing variant allele frequency, disease prevalence and penetrance estimates, and inheritance mode, an automated score was calculated to assess if this variant is too frequent to cause the disease. Based on the score and internal cut-off values, a variant classified as likely benign is not then subjected to further curation. The score for this variant resulted in a classification of likely benign for this disease.

Center for Human Genetics, Inc
Classification: Likely benign for Connective tissue disorder. Last evaluated: 2016-11-01. Review status: criteria provided, single submitter. Criteria: ACMG Guidelines, 2015. Collection method: clinical testing. Allele origin: germline. Affected: yes.

Women's Health and Genetics/Laboratory Corporation of America, LabCorp
Classification: Benign. Last evaluated: 2016-03-18. Review status: criteria provided, single submitter. Criteria: LabCorp Variant Classification Summary - May 2015. Collection method: clinical testing. Allele origin: germline.
Comment: Variant summary: The c.4527C>T variant affects a non-conserved nucleotide, resulting in no amino acid change. One in-silico tool predicts damaging outcome for this variant. 5/5 programs in Alamut predict that this variant does not affect normal splicing. ESE finder predicts that this variant does not affect any ESE site. This variant is found in 332/121398 control chromosomes (2 homozygotes) at a frequency of 0.0027348, which is about 2188 times of the maximal expected frequency of a pathogenic allele (0.0000013), suggesting this variant is benign. In addition, one clinical laboratory classified this variant as benign. The variant of interest has not, to our knowledge, been reported in affected individuals via publications and/or reputable databases/clinical laboratories; nor evaluated for functional impact by in vivo/vitro studies. Taken together, this variant was classified as benign.

Ambry Genetics
Classification: Benign for Familial thoracic aortic aneurysm and aortic dissection. Last evaluated: 2015-11-11. Review status: criteria provided, single submitter. Criteria: Ambry Variant Classification Scheme 2023. Collection method: clinical testing. Allele origin: germline.

GeneDx
Classification: Benign. Last evaluated: 2013-12-19. Review status: criteria provided, single submitter. Criteria: GeneDx Variant Classification (06012015). Collection method: clinical testing. Allele origin: germline. Affected: yes.
Comment: This variant is considered likely benign or benign based on one or more of the following criteria: it is a conservative change, it occurs at a poorly conserved position in the protein, it is predicted to be benign by multiple in silico algorithms, and/or has population frequency not consistent with disease.